The following is an entry in ClinVar:

ClinVar aggregate classification (germline): Likely benign. Review status: criteria provided, multiple submitters, no conflicts (2 of 4 stars). 2 submissions from 2 submitters: Likely benign (2). Last evaluated 2025-06-18.

Conditions:
Hereditary breast ovarian cancer syndrome. Also called: Hereditary breast and ovarian cancer syndrome; BRCA1- and BRCA2-Associated Hereditary Breast and Ovarian Cancer; Hereditary breast and ovarian cancer; Hereditary breast and/or ovarian cancer syndrome; Hereditary breast and ovarian cancer syndrome (HBOC); Breast and ovarian cancer. Identifiers: Orphanet 145, MedGen C0677776, MeSH D061325, MONDO:0003582. Disease mechanism: loss of function.

Allele frequency attached by ClinVar (database versions not stated): ExAC 0.00001; gnomAD 0.00001; TOPMed 0.00002.

Submissions (2):

Labcorp Genetics (formerly Invitae), Labcorp
Classification: Likely benign for Hereditary breast ovarian cancer syndrome. Last evaluated: 2025-06-18. Review status: criteria provided, single submitter. Criteria: Invitae Variant Classification Sherloc (09022015). Collection method: clinical testing. Allele origin: germline.

GeneDx
Classification: Likely benign. Last evaluated: 2016-06-17. Review status: criteria provided, single submitter. Criteria: GeneDx Variant Classification (06012015). Collection method: clinical testing. Allele origin: germline. Affected: yes.
Comment: This variant is considered likely benign or benign based on one or more of the following criteria: it is a conservative change, it occurs at a poorly conserved position in the protein, it is predicted to be benign by multiple in silico algorithms, and/or has population frequency not consistent with disease.

NM_000059.4(BRCA2):c.8754+18C>G

Gene: BRCA2 (BRCA2 DNA repair associated; plus strand). Cytogenetic location: 13q13.1.
Variant type: single nucleotide variant.
Coding change: c.8754+18C>G on transcript NM_000059.4 (MANE Select); 18 bases into the intron after coding-DNA position 8754, C replaced by G.
Molecular consequence: intron variant.
Genome position (GRCh38, 1-based): chr13:32,376,809, C>G. VCF-style: chr13-32376809-C-G. GRCh37 (hg19) VCF-style: chr13-32950946-C-G.
Identifiers: ClinVar variation 387110 (VCV000387110.9), dbSNP rs768949172, ClinGen allele CA6941291.